The following is an entry in ClinVar:

ClinVar aggregate classification (germline): Uncertain significance (1 of 4 stars; one submission).

Conditions:
Hereditary cancer-predisposing syndrome. Also called: Tumor predisposition; Hereditary Cancer Syndrome; Neoplastic Syndromes, Hereditary; Hereditary neoplastic syndrome. Identifiers: Orphanet 140162, MedGen C0027672, MeSH D009386, MONDO:0015356.

Submission:

Color Diagnostics, LLC DBA Color Health
Classification: Uncertain significance for Hereditary cancer-predisposing syndrome. Last evaluated: 2025-04-14. Review status: criteria provided, single submitter. Criteria: ACMG Guidelines, 2015. Collection method: clinical testing. Allele origin: germline.
Comment: This missense variant replaces lysine with asparagine at codon 84 of the STK11 protein. Computational prediction is inconclusive regarding the impact of this variant on protein structure and function. To our knowledge, functional studies have not been reported for this variant. This variant has not been reported in individuals affected with STK11-related disorders in the literature. This variant has not been identified in the general population by the Genome Aggregation Database (gnomAD). The available evidence is insufficient to determine the role of this variant in disease conclusively. Therefore, this variant is classified as a Variant of Uncertain Significance.

NM_000455.5(STK11):c.252G>C (p.Lys84Asn)

Gene: STK11 (serine/threonine kinase 11; plus strand). Cytogenetic location: 19p13.3.
Variant type: single nucleotide variant.
Coding change: c.252G>C on transcript NM_000455.5 (MANE Select); coding-DNA position 252, G replaced by C.
Protein change: p.Lys84Asn; replaces lysine 84 with asparagine.
Molecular consequence: missense variant. On other transcripts: non-coding transcript variant (1).
Genome position (GRCh38, 1-based): chr19:1,207,165, G>C. VCF-style: chr19-1207165-G-C. GRCh37 (hg19) VCF-style: chr19-1207164-G-C.
Other names: c.252G>C, p.Lys84Asn (NM_001407255.1); short protein forms K84N.
Identifiers: ClinVar variation 4756635 (VCV004756635.1).